The following is an entry in ClinVar:

ClinVar aggregate classification (germline): Uncertain significance (1 of 4 stars; one submission).

Conditions:
Neuropathy, hereditary sensory and autonomic, type 2A (HSAN2A). Also called: HSAN IIA; ACROOSTEOLYSIS, GIACCAI TYPE; ACROOSTEOLYSIS, NEUROGENIC; MORVAN DISEASE; NEUROPATHY, CONGENITAL SENSORY; NEUROPATHY, HEREDITARY SENSORY RADICULAR, AUTOSOMAL RECESSIVE. Identifiers: Orphanet 970, MedGen C2752089, MONDO:0024309, OMIM 201300.
Generalized epilepsy with febrile seizures plus, type 7 (GEFSP7). Also called: GEFS+, TYPE 7. Identifiers: Orphanet 36387, MedGen C2751778, MONDO:0013470, OMIM 613863.

gnomAD v4.1: 4 of 1,612,470 alleles (0.00025%); highest among the groups gnomAD compares: Non-Finnish European, 0.00025%; no homozygotes.

Submission:

Labcorp Genetics (formerly Invitae), Labcorp
Classification: Uncertain significance for Neuropathy, hereditary sensory and autonomic, type 2A; Generalized epilepsy with febrile seizures plus, type 7. Last evaluated: 2025-09-21. Review status: criteria provided, single submitter. Criteria: Invitae Variant Classification Sherloc (09022015). Collection method: clinical testing. Allele origin: germline.
Comment: This sequence change replaces valine, which is neutral and non-polar, with isoleucine, which is neutral and non-polar, at codon 795 of the SCN9A protein (p.Val795Ile). This variant is not present in population databases (gnomAD no frequency). This variant has not been reported in the literature in individuals affected with SCN9A-related conditions. ClinVar contains an entry for this variant (Variation ID: 3762545). Invitae Evidence Modeling of protein sequence and biophysical properties (such as structural, functional, and spatial information, amino acid conservation, physicochemical variation, residue mobility, and thermodynamic stability) indicates that this missense variant is not expected to disrupt SCN9A protein function with a negative predictive value of 95%. In summary, the available evidence is currently insufficient to determine the role of this variant in disease. Therefore, it has been classified as a Variant of Uncertain Significance.

NM_001365536.1(SCN9A):c.2416G>A (p.Val806Ile)

Genes: SCN9A (sodium voltage-gated channel alpha subunit 9; minus strand), SCN1A-AS1 (SCN1A and SCN9A antisense RNA 1; plus strand). Cytogenetic location: 2q24.3.
Variant type: single nucleotide variant.
Coding change: c.2416G>A on transcript NM_001365536.1 (MANE Select); coding-DNA position 2416, G replaced by A.
Protein change: p.Val806Ile; replaces valine 806 with isoleucine.
Molecular consequence: missense variant.
Genome position (GRCh38, 1-based): chr2:166,278,241, C>T on the plus strand (G>A on the coding strand, the complement: SCN9A is on the minus strand). VCF-style: chr2-166278241-C-T. GRCh37 (hg19) VCF-style: chr2-167134751-C-T.
Other names: c.2383G>A, p.Val795Ile (NM_002977.4); short protein forms V795I, V806I.
Identifiers: ClinVar variation 3762545 (VCV003762545.2).